The following is an entry in ClinVar:

ClinVar aggregate classification (germline): Uncertain significance (1 of 4 stars; one submission).

Conditions:
Glycogen storage disease type III (GSD3). Also called: Cori disease; FORBES DISEASE. Identifiers: Orphanet 366, MedGen C0017922, MONDO:0009291, OMIM 232400.

Allele frequency attached by ClinVar (database versions not stated): gnomAD 0.00001.
gnomAD v4.1: 1 of 1,613,896 alleles (0.000062%); highest among the groups gnomAD compares: African/African-American, 0.0013%; no homozygotes.

Submission:

Labcorp Genetics (formerly Invitae), Labcorp
Classification: Uncertain significance for Glycogen storage disease type III. Last evaluated: 2022-11-01. Review status: criteria provided, single submitter. Criteria: Invitae Variant Classification Sherloc (09022015). Collection method: clinical testing. Allele origin: germline.
Comment: This sequence change replaces glutamic acid, which is acidic and polar, with alanine, which is neutral and non-polar, at codon 230 of the AGL protein (p.Glu230Ala). This variant is present in population databases (no rsID available, gnomAD 0.02%). This variant has not been reported in the literature in individuals affected with AGL-related conditions. ClinVar contains an entry for this variant (Variation ID: 1413867). Advanced modeling of protein sequence and biophysical properties (such as structural, functional, and spatial information, amino acid conservation, physicochemical variation, residue mobility, and thermodynamic stability) performed at Invitae indicates that this missense variant is not expected to disrupt AGL protein function. In summary, the available evidence is currently insufficient to determine the role of this variant in disease. Therefore, it has been classified as a Variant of Uncertain Significance.

NM_000642.3(AGL):c.689A>C (p.Glu230Ala)

Gene: AGL (amylo-alpha-1,6-glucosidase and 4-alpha-glucanotransferase; plus strand). Cytogenetic location: 1p21.2.
Variant type: single nucleotide variant.
Coding change: c.689A>C on transcript NM_000642.3 (MANE Select); coding-DNA position 689, A replaced by C.
Protein change: p.Glu230Ala; replaces glutamic acid 230 with alanine.
Molecular consequence: missense variant.
Genome position (GRCh38, 1-based): chr1:99,870,424, A>C. VCF-style: chr1-99870424-A-C. GRCh37 (hg19) VCF-style: chr1-100335980-A-C.
Other names: c.689A>C, p.Glu230Ala (NM_000028.3, NM_000643.3, NM_000644.3 and 3 more transcripts); c.641A>C, p.Glu214Ala (NM_000646.3); c.485A>C, p.Glu162Ala (NM_001425328.1, NM_001425329.1); c.311A>C, p.Glu104Ala (NM_001425332.1); short protein forms E214A, E230A, E104A, E162A.
Identifiers: ClinVar variation 1413867 (VCV001413867.6), dbSNP rs1275008400, ClinGen allele CA341339247.
Genomic context (GRCh38, chr1:99,870,424, plus strand): 5'-TATGAGATACTCCTTTGTGTCTCCTTTTTCCTTCAGCTGCTAATAGTAAATGGATCCAGG[A>C]ACATCCAGAATGTGCCTATAATCTTGTGAATTCTCCACACTTAAAACCTGCCTGGGTCTT-3'
Protein context (NP_000633.2, residues 220-240): HTAANSKWIQ[Glu230Ala]HPECAYNLVN